The following is an entry in ClinVar:

ClinVar aggregate classification (germline): Uncertain significance. Review status: criteria provided, multiple submitters, no conflicts (2 of 4 stars). 4 submissions from 4 submitters: Uncertain significance (4). Last evaluated 2023-06-29.

Conditions:
Inborn genetic diseases. Identifiers: MedGen C0950123, MeSH D030342.
Peroxisome biogenesis disorder 2B (PBD2B). Identifiers: Orphanet 44, MedGen C3550234, MONDO:0008736, OMIM 202370.

Allele frequency attached by ClinVar (database versions not stated): gnomAD 0.00001; gnomAD exomes 0.00001 and 0.00004; ExAC 0.00002; TOPMed 0.00003; ESP Exome Variant Server 0.00008.
gnomAD v4.1: 21 of 1,613,578 alleles (0.0013%); highest among the groups gnomAD compares: Admixed American, 0.018%; no homozygotes.

Submissions (4):

GeneDx
Classification: Uncertain significance. Last evaluated: 2023-06-29. Review status: criteria provided, single submitter. Criteria: GeneDx Variant Classification Process June 2021. Collection method: clinical testing. Allele origin: germline. Affected: yes.
Comment: In silico analysis supports that this missense variant does not alter protein structure/function; Has not been previously published as pathogenic or benign to our knowledge

Ambry Genetics
Classification: Uncertain significance for Inborn genetic diseases. Last evaluated: 2022-08-30. Review status: criteria provided, single submitter. Criteria: Ambry Variant Classification Scheme 2023. Collection method: clinical testing. Allele origin: germline.

Labcorp Genetics (formerly Invitae), Labcorp
Classification: Uncertain significance for Peroxisome biogenesis disorder 2B. Last evaluated: 2022-08-23. Review status: criteria provided, single submitter. Criteria: Invitae Variant Classification Sherloc (09022015). Collection method: clinical testing. Allele origin: germline.
Comment: This sequence change replaces arginine, which is basic and polar, with glutamine, which is neutral and polar, at codon 431 of the PEX5 protein (p.Arg431Gln). This variant is present in population databases (rs144901507, gnomAD 0.03%). This variant has not been reported in the literature in individuals affected with PEX5-related conditions. ClinVar contains an entry for this variant (Variation ID: 593511). Algorithms developed to predict the effect of missense changes on protein structure and function (SIFT, PolyPhen-2, Align-GVGD) all suggest that this variant is likely to be tolerated. In summary, the available evidence is currently insufficient to determine the role of this variant in disease. Therefore, it has been classified as a Variant of Uncertain Significance.

Eurofins Ntd Llc (ga)
Classification: Uncertain significance. Last evaluated: 2017-08-04. Review status: criteria provided, single submitter. Criteria: EGL Classification Definitions 2015. Collection method: clinical testing. Allele origin: germline. Observed: 1 variant allele, 1 heterozygote.

NM_001351132.2(PEX5):c.1292G>A (p.Arg431Gln)

Gene: PEX5 (peroxisomal biogenesis factor 5; plus strand). Cytogenetic location: 12p13.31.
Variant type: single nucleotide variant.
Coding change: c.1292G>A on transcript NM_001351132.2 (MANE Select); coding-DNA position 1292, G replaced by A.
Protein change: p.Arg431Gln; replaces arginine 431 with glutamine.
Molecular consequence: missense variant.
Genome position (GRCh38, 1-based): chr12:7,208,567, G>A. VCF-style: chr12-7208567-G-A. GRCh37 (hg19) VCF-style: chr12-7361163-G-A.
Other names: c.1268G>A, p.Arg423Gln (NM_000319.5); c.1337G>A, p.Arg446Gln (NM_001131023.2); c.1181G>A, p.Arg394Gln (NM_001131024.2, NM_001351124.3, NM_001351126.2 and 7 more transcripts); c.1292G>A, p.Arg431Gln (NM_001131025.2, NM_001131026.2, NM_001300789.3 and 4 more transcripts); c.1226G>A, p.Arg409Gln (NM_001351135.3, NM_001351138.2); c.1283G>A, p.Arg428Gln (NM_001351136.2); c.1157G>A, p.Arg386Gln (NM_001351139.2, NM_001351140.2, NM_001374649.2); short protein forms R423Q, R431Q, R394Q, R428Q, R446Q, R386Q, R409Q.
Identifiers: ClinVar variation 593511 (VCV000593511.11), dbSNP rs144901507, ClinGen allele CA6426419.